The following is an entry in ClinVar:

ClinVar aggregate classification (germline): Uncertain significance (1 of 4 stars; one submission).

Submission:

Labcorp Genetics (formerly Invitae), Labcorp
Classification: Uncertain significance. Last evaluated: 2021-08-31. Review status: criteria provided, single submitter. Criteria: Invitae Variant Classification Sherloc (09022015). Collection method: clinical testing. Allele origin: germline.
Comment: This sequence change replaces cysteine with tyrosine at codon 54 of the C9 protein (p.Cys54Tyr). The cysteine residue is highly conserved and there is a large physicochemical difference between cysteine and tyrosine. This variant is not present in population databases (ExAC no frequency). This variant has not been reported in the literature in individuals affected with C9-related conditions. Algorithms developed to predict the effect of missense changes on protein structure and function are either unavailable or do not agree on the potential impact of this missense change (SIFT: "Not Available"; PolyPhen-2: "Probably Damaging"; Align-GVGD: "Not Available"). In summary, the available evidence is currently insufficient to determine the role of this variant in disease. Therefore, it has been classified as a Variant of Uncertain Significance.

NM_001737.5(C9):c.161G>A (p.Cys54Tyr)

Gene: C9 (complement C9; minus strand). Cytogenetic location: 5p13.1.
Variant type: single nucleotide variant.
Coding change: c.161G>A on transcript NM_001737.5 (MANE Select); coding-DNA position 161, G replaced by A.
Protein change: p.Cys54Tyr; replaces cysteine 54 with tyrosine.
Molecular consequence: missense variant.
Genome position (GRCh38, 1-based): chr5:39,342,113, C>T on the plus strand (G>A on the coding strand, the complement: C9 is on the minus strand). VCF-style: chr5-39342113-C-T. GRCh37 (hg19) VCF-style: chr5-39342215-C-T.
Other names: short protein forms C54Y.
Identifiers: ClinVar variation 1482276 (VCV001482276.6), dbSNP rs2111955433, ClinGen allele CA359563918.